The following is an entry in ClinVar:

NM_000829.4(GRIA4):c.962A>G (p.Asp321Gly)

Gene: GRIA4 (glutamate ionotropic receptor AMPA type subunit 4; plus strand). Cytogenetic location: 11q22.3.
Variant type: single nucleotide variant.
Coding change: c.962A>G on transcript NM_000829.4 (MANE Select); coding-DNA position 962, A replaced by G.
Protein change: p.Asp321Gly; replaces aspartic acid 321 with glycine.
Molecular consequence: missense variant. On other transcripts: non-coding transcript variant (1).
Genome position (GRCh38, 1-based): chr11:105,903,890, A>G. VCF-style: chr11-105903890-A-G. GRCh37 (hg19) VCF-style: chr11-105774616-A-G.
Other names: c.962A>G, p.Asp321Gly (NM_001077243.3, NM_001077244.2, NM_001112812.2 and 20 more transcripts); short protein forms D321G.
Identifiers: ClinVar variation 4985805 (VCV004985805.1).

ClinVar aggregate classification (germline): Uncertain significance (1 of 4 stars; one submission).

Conditions:
GRIA4-related disorder. Also called: GRIA4-related condition.

gnomAD v4.1: 22 of 1,612,460 alleles (0.0014%); highest among the groups gnomAD compares: Non-Finnish European, 0.0017%; no homozygotes.

Submission:

PreventionGenetics, part of Exact Sciences
Classification: Uncertain significance for GRIA4-related condition. Last evaluated: 2025-05-30. Review status: criteria provided, single submitter. Criteria: ACMG Guidelines, 2015. Collection method: clinical testing. Allele origin: germline.
Comment: The GRIA4 c.962A>G variant is predicted to result in the amino acid substitution p.Asp321Gly. To our knowledge, this variant has not been reported in the literature or in a large population database (gnomAD), indicating this variant is rare. At this time, the clinical significance of this variant is uncertain due to the absence of conclusive functional and genetic evidence.